The following is an entry in ClinVar:

ClinVar aggregate classification (germline): Uncertain significance (1 of 4 stars; one submission).

Conditions:
Familial hypocalciuric hypercalcemia (FHH). Also called: Familial benign hypercalcemia. Identifiers: Orphanet 405, MedGen C1809471, MONDO:0018458.
Autosomal dominant hypocalcemia 1 (HYPOC1). Also called: HYPOCALCEMIA, FAMILIAL. Identifiers: MedGen C3715128, MONDO:0011013, OMIM 601198.

gnomAD v4.1: 2 of 1,614,188 alleles (0.00012%); highest among the groups gnomAD compares: Non-Finnish European, 0.00017%; no homozygotes.

Submission:

Labcorp Genetics (formerly Invitae), Labcorp
Classification: Uncertain significance for Familial hypocalciuric hypercalcemia; Autosomal dominant hypocalcemia 1. Last evaluated: 2020-05-10. Review status: criteria provided, single submitter. Criteria: Invitae Variant Classification Sherloc (09022015). Collection method: clinical testing. Allele origin: germline.
Comment: In summary, the available evidence is currently insufficient to determine the role of this variant in disease. Therefore, it has been classified as a Variant of Uncertain Significance. Algorithms developed to predict the effect of missense changes on protein structure and function are either unavailable or do not agree on the potential impact of this missense change (SIFT: "Deleterious"; PolyPhen-2: "Probably Damaging"; Align-GVGD: "Class C0"). This variant has not been reported in the literature in individuals with CASR-related conditions. This variant is not present in population databases (ExAC no frequency). This sequence change replaces isoleucine with methionine at codon 695 of the CASR protein (p.Ile695Met). The isoleucine residue is highly conserved and there is a small physicochemical difference between isoleucine and methionine.

NM_000388.4(CASR):c.2085C>G (p.Ile695Met)

Gene: CASR (calcium sensing receptor; plus strand). Cytogenetic location: 3q21.1.
Variant type: single nucleotide variant.
Coding change: c.2085C>G on transcript NM_000388.4 (MANE Select); coding-DNA position 2085, C replaced by G.
Protein change: p.Ile695Met; replaces isoleucine 695 with methionine.
Molecular consequence: missense variant.
Genome position (GRCh38, 1-based): chr3:122,284,039, C>G. VCF-style: chr3-122284039-C-G. GRCh37 (hg19) VCF-style: chr3-122002886-C-G.
Other names: c.2115C>G, p.Ile705Met (NM_001178065.2); short protein forms I695M, I705M.
Identifiers: ClinVar variation 1042940 (VCV001042940.9), dbSNP rs2074930623, ClinGen allele CA354158467.
Genomic context (GRCh38, chr3:122,284,039, plus strand): 5'-GACGTGCCGCCTGCGCCAGCCGGCCTTTGGCATCAGCTTCGTGCTCTGCATCTCATGCAT[C>G]CTGGTGAAAACCAACCGTGTCCTCCTGGTGTTTGAGGCCAAGATCCCCACCAGCTTCCAC-3'
Protein context (NP_000379.3, residues 685-705): GISFVLCISC[Ile695Met]LVKTNRVLLV